The following is an entry in ClinVar:

ClinVar aggregate classification (germline): Uncertain significance. Review status: criteria provided, multiple submitters, no conflicts (2 of 4 stars). 2 submissions from 2 submitters: Uncertain significance (2). Last evaluated 2021-09-14.

Conditions:
Epileptic encephalopathy. Identifiers: MedGen C0543888, HP:0200134.

Allele frequency attached by ClinVar (database versions not stated): gnomAD exomes below 0.00001.
gnomAD v4.1: 2 of 1,609,728 alleles (0.00012%); highest among the groups gnomAD compares: East Asian, 0.0022%; no homozygotes.

Submissions (2):

Labcorp Genetics (formerly Invitae), Labcorp
Classification: Uncertain significance for Epileptic encephalopathy. Last evaluated: 2021-09-14. Review status: criteria provided, single submitter. Criteria: Invitae Variant Classification Sherloc (09022015). Collection method: clinical testing. Allele origin: germline.
Comment: This sequence change replaces glycine with glutamic acid at codon 1143 of the FASN protein (p.Gly1143Glu). The glycine residue is highly conserved and there is a moderate physicochemical difference between glycine and glutamic acid. This variant is not present in population databases (ExAC no frequency). This variant has not been reported in the literature in individuals affected with FASN-related conditions. Algorithms developed to predict the effect of missense changes on protein structure and function are either unavailable or do not agree on the potential impact of this missense change (SIFT: "Deleterious"; PolyPhen-2: "Benign"; Align-GVGD: "Class C0"). In summary, the available evidence is currently insufficient to determine the role of this variant in disease. Therefore, it has been classified as a Variant of Uncertain Significance.

Ambry Genetics
Classification: Uncertain significance. Last evaluated: 2021-09-09. Review status: criteria provided, single submitter. Criteria: Ambry Variant Classification Scheme 2023. Collection method: clinical testing. Allele origin: germline.

NM_004104.5(FASN):c.3428G>A (p.Gly1143Glu)

Gene: FASN (fatty acid synthase; minus strand). Cytogenetic location: 17q25.3.
Variant type: single nucleotide variant.
Coding change: c.3428G>A on transcript NM_004104.5 (MANE Select); coding-DNA position 3428, G replaced by A.
Protein change: p.Gly1143Glu; replaces glycine 1143 with glutamic acid.
Molecular consequence: missense variant.
Genome position (GRCh38, 1-based): chr17:82,086,558, C>T on the plus strand (G>A on the coding strand, the complement: FASN is on the minus strand). VCF-style: chr17-82086558-C-T. GRCh37 (hg19) VCF-style: chr17-80044434-C-T.
Other names: c.3428G>A (NM_004104.4); short protein forms G1143E.
Identifiers: ClinVar variation 1428030 (VCV001428030.8), dbSNP rs1346789622, ClinGen allele CA401552667.